The following is an entry in ClinVar:

ClinVar aggregate classification (germline): Uncertain significance. Review status: criteria provided, multiple submitters, no conflicts (2 of 4 stars). 2 submissions from 2 submitters: Uncertain significance (2). Last evaluated 2025-03-13.

Conditions:
Hereditary cancer-predisposing syndrome. Also called: Neoplastic Syndromes, Hereditary; Hereditary Cancer Syndrome; Hereditary neoplastic syndrome; Tumor predisposition. Identifiers: Orphanet 140162, MedGen C0027672, MeSH D009386, MONDO:0015356.
Cardiovascular phenotype. Identifiers: MedGen CN230736.
Neurofibromatosis, type 1 (NF1). Also called: NEUROFIBROMATOSIS, TYPE I, SOMATIC; VON RECKLINGHAUSEN DISEASE; Neurofibromatosis, type I; Peripheral type neurofibromatosis. Identifiers: Orphanet 636, MedGen C0027831, MONDO:0018975, OMIM 162200. Disease mechanism: loss of function.

Submissions (2):

Ambry Genetics
Classification: Uncertain significance for Cardiovascular phenotype; Hereditary cancer-predisposing syndrome. Last evaluated: 2025-03-13. Review status: criteria provided, single submitter. Criteria: Ambry Variant Classification Scheme 2023. Collection method: clinical testing. Allele origin: germline.
Comment: The c.1846-3T>A intronic variant results from a T to A substitution 3 nucleotides upstream from coding exon 17 in the NF1 gene. This nucleotide position is highly conserved in available vertebrate species. In silico splice site analysis predicts that this alteration will not have any significant effect on splicing. Based on the available evidence, the clinical significance of this variant remains unclear.

Labcorp Genetics (formerly Invitae), Labcorp
Classification: Uncertain significance for Neurofibromatosis, type 1. Last evaluated: 2018-12-01. Review status: criteria provided, single submitter. Criteria: Invitae Variant Classification Sherloc (09022015). Collection method: clinical testing. Allele origin: germline.
Comment: In summary, the available evidence is currently insufficient to determine the role of this variant in disease. Therefore, it has been classified as a Variant of Uncertain Significance. Nucleotide substitutions within the consensus splice site are a relatively common cause of aberrant splicing (PMID: 17576681, 9536098). Algorithms developed to predict the effect of sequence changes on RNA splicing suggest that this variant may disrupt the consensus splice site, but this prediction has not been confirmed by published transcriptional studies. This variant has not been reported in the literature in individuals with NF1-related conditions. This variant is not present in population databases (ExAC no frequency). This sequence change falls in intron 16 of the NF1 gene. It does not directly change the encoded amino acid sequence of the NF1 protein, but it affects a nucleotide within the consensus splice site of the intron.

Literature cited by the submitters: PubMed 17576681 (cited by Labcorp Genetics (formerly Invitae), Labcorp); PubMed 9536098 (cited by Labcorp Genetics (formerly Invitae), Labcorp).

NM_001042492.3(NF1):c.1846-3T>A

Gene: NF1 (neurofibromin 1; plus strand). Cytogenetic location: 17q11.2.
Variant type: single nucleotide variant.
Coding change: c.1846-3T>A on transcript NM_001042492.3 (MANE Select); 3 bases into the intron before coding-DNA position 1846, T replaced by A.
Molecular consequence: intron variant.
Genome position (GRCh38, 1-based): chr17:31,225,092, T>A. VCF-style: chr17-31225092-T-A. GRCh37 (hg19) VCF-style: chr17-29552110-T-A.
Other names: c.1846-3T>A (NM_000267.4).
Identifiers: ClinVar variation 641613 (VCV000641613.6), dbSNP rs1555613541, ClinGen allele CA915949745.